The following is an entry in ClinVar:

ClinVar aggregate classification (germline): Uncertain significance (1 of 4 stars; one submission).

Submission:

Labcorp Genetics (formerly Invitae), Labcorp
Classification: Uncertain significance. Last evaluated: 2022-08-22. Review status: criteria provided, single submitter. Criteria: Invitae Variant Classification Sherloc (09022015). Collection method: clinical testing. Allele origin: germline.
Comment: Algorithms developed to predict the effect of missense changes on protein structure and function are either unavailable or do not agree on the potential impact of this missense change (SIFT: "Not Available"; PolyPhen-2: "Possibly Damaging"; Align-GVGD: "Not Available"). This sequence change replaces leucine, which is neutral and non-polar, with valine, which is neutral and non-polar, at codon 610 of the KLHL9 protein (p.Leu610Val). This variant is not present in population databases (gnomAD no frequency). This variant has not been reported in the literature in individuals affected with KLHL9-related conditions. In summary, the available evidence is currently insufficient to determine the role of this variant in disease. Therefore, it has been classified as a Variant of Uncertain Significance.

NM_018847.4(KLHL9):c.1828C>G (p.Leu610Val)

Gene: KLHL9 (kelch like family member 9; minus strand). Cytogenetic location: 9p21.3.
Variant type: single nucleotide variant.
Coding change: c.1828C>G on transcript NM_018847.4 (MANE Select); coding-DNA position 1828, C replaced by G.
Protein change: p.Leu610Val; replaces leucine 610 with valine.
Molecular consequence: missense variant.
Genome position (GRCh38, 1-based): chr9:21,333,032, G>C on the plus strand (C>G on the coding strand, the complement: KLHL9 is on the minus strand). VCF-style: chr9-21333032-G-C. GRCh37 (hg19) VCF-style: chr9-21333031-G-C.
Other names: short protein forms L610V.
Identifiers: ClinVar variation 1918648 (VCV001918648.5), dbSNP rs1563854031, ClinGen allele CA373066094.
Genomic context (GRCh38, chr9:21,333,032, plus strand): 5'-CCATGACGTACTGCAAAGGTGTTACACCTTAGACCTAAGAATGATCTGAAGGTGCTGAAA[G>C]AGGTGATTCTCTAGAAGGTGACCCAGGGTTTTCTTCAGGTGGAAAAACTGTGAGTGTACA-3'
Protein context (NP_061335.1, residues 600-617): NPGSPSRESP[Leu610Val]SAPSDHS